The following is an entry in ClinVar:

NM_001365536.1(SCN9A):c.5019T>G (p.Asp1673Glu)

Genes: SCN9A (sodium voltage-gated channel alpha subunit 9; minus strand), SCN1A-AS1 (SCN1A and SCN9A antisense RNA 1; plus strand). Cytogenetic location: 2q24.3.
Variant type: single nucleotide variant.
Coding change: c.5019T>G on transcript NM_001365536.1 (MANE Select); coding-DNA position 5019, T replaced by G.
Protein change: p.Asp1673Glu; replaces aspartic acid 1673 with glutamic acid.
Molecular consequence: missense variant.
Genome position (GRCh38, 1-based): chr2:166,199,620, A>C on the plus strand (T>G on the coding strand, the complement: SCN9A is on the minus strand). VCF-style: chr2-166199620-A-C. GRCh37 (hg19) VCF-style: chr2-167056130-A-C.
Other names: c.4986T>G, p.Asp1662Glu (NM_002977.4); short protein forms D1662E, D1673E.
Identifiers: ClinVar variation 3763305 (VCV003763305.2).

ClinVar aggregate classification (germline): Uncertain significance (1 of 4 stars; one submission).

Conditions:
Neuropathy, hereditary sensory and autonomic, type 2A (HSAN2A). Also called: NEUROPATHY, HEREDITARY SENSORY RADICULAR, AUTOSOMAL RECESSIVE; NEUROPATHY, HEREDITARY SENSORY, TYPE IIA; NEUROPATHY, PROGRESSIVE SENSORY, OF CHILDREN; WNK1-Related HSAN2 (HSAN2A); ACROOSTEOLYSIS, GIACCAI TYPE; ACROOSTEOLYSIS, NEUROGENIC. Identifiers: Orphanet 970, MedGen C2752089, MONDO:0024309, OMIM 201300.
Generalized epilepsy with febrile seizures plus, type 7 (GEFSP7). Also called: GEFS+, TYPE 7. Identifiers: Orphanet 36387, MedGen C2751778, MONDO:0013470, OMIM 613863.

Submission:

Labcorp Genetics (formerly Invitae), Labcorp
Classification: Uncertain significance for Neuropathy, hereditary sensory and autonomic, type 2A; Generalized epilepsy with febrile seizures plus, type 7. Last evaluated: 2024-03-28. Review status: criteria provided, single submitter. Criteria: Invitae Variant Classification Sherloc (09022015). Collection method: clinical testing. Allele origin: germline.
Comment: This sequence change replaces aspartic acid, which is acidic and polar, with glutamic acid, which is acidic and polar, at codon 1662 of the SCN9A protein (p.Asp1662Glu). This variant is not present in population databases (gnomAD no frequency). This variant has not been reported in the literature in individuals affected with SCN9A-related conditions. Advanced modeling of protein sequence and biophysical properties (such as structural, functional, and spatial information, amino acid conservation, physicochemical variation, residue mobility, and thermodynamic stability) performed at Invitae indicates that this missense variant is not expected to disrupt SCN9A protein function with a negative predictive value of 95%. In summary, the available evidence is currently insufficient to determine the role of this variant in disease. Therefore, it has been classified as a Variant of Uncertain Significance.